The following is an entry in ClinVar:

ClinVar aggregate classification (germline): Benign. Review status: criteria provided, single submitter (1 of 4 stars). 2 submissions from 2 submitters: Benign (1). 1 of the submissions does not count toward it. Last evaluated 2026-01-12.

Conditions:
KCNT1-related disorder. Also called: KCNT1-related condition.
Developmental and epileptic encephalopathy, 14 (DEE14). Also called: Early infantile epileptic encephalopathy 14. Identifiers: Orphanet 293181, MedGen C3554195, MONDO:0013989, OMIM 614959.
Autosomal dominant nocturnal frontal lobe epilepsy 5. Also called: CILIARY DYSKINESIA, PRIMARY, 28, WITHOUT SITUS INVERSUS; CILIARY DYSKINESIA, PRIMARY, 28, WITH SITUS INVERSUS; Epilepsy, nocturnal frontal lobe, 5; KCNT1-Related Epilepsy. Identifiers: Orphanet 98784, MedGen C3554306, MONDO:0014002, OMIM 615005.

Allele frequency attached by ClinVar (database versions not stated): gnomAD 0.00003 and 0.00009; gnomAD exomes 0.00004 and 0.00014; TOPMed 0.00013; ExAC 0.00022; 1000 Genomes Project 30x 0.00047; 1000 Genomes Project 0.00060.
gnomAD v4.1: 75 of 1,611,450 alleles (0.0047%); highest among the groups gnomAD compares: East Asian, 0.12%; 1 homozygote.

Submissions (2):

Labcorp Genetics (formerly Invitae), Labcorp
Classification: Benign for Autosomal dominant nocturnal frontal lobe epilepsy 5; Developmental and epileptic encephalopathy, 14. Last evaluated: 2026-01-12. Review status: criteria provided, single submitter. Criteria: Invitae Variant Classification Sherloc (09022015). Collection method: clinical testing. Allele origin: germline.

PreventionGenetics, part of Exact Sciences
Classification: Likely benign for KCNT1-related condition. Last evaluated: 2019-08-12. Review status: no assertion criteria provided. Collection method: clinical testing. Allele origin: germline. Not counted in ClinVar's aggregate classification.
Comment: This variant is classified as likely benign based on ACMG/AMP sequence variant interpretation guidelines (Richards et al. 2015 PMID: 25741868, with internal and published modifications).

NM_020822.3(KCNT1):c.1188C>T (p.His396=)

Gene: KCNT1 (potassium sodium-activated channel subfamily T member 1; plus strand). Cytogenetic location: 9q34.3.
Variant type: single nucleotide variant.
Coding change: c.1188C>T on transcript NM_020822.3 (MANE Select); coding-DNA position 1188, C replaced by T.
Protein change: p.His396=; no amino-acid change (histidine 396 retained).
Molecular consequence: synonymous variant.
Genome position (GRCh38, 1-based): chr9:135,765,183, C>T. VCF-style: chr9-135765183-C-T. GRCh37 (hg19) VCF-style: chr9-138657029-C-T.
Other names: c.1053C>T, p.His351= (NM_001272003.2).
Identifiers: ClinVar variation 699364 (VCV000699364.13), dbSNP rs544796091, ClinGen allele CA5326791.